The following is an entry in ClinVar:

ClinVar aggregate classification (germline): Benign/Likely benign. Review status: criteria provided, multiple submitters, no conflicts (2 of 4 stars). 2 submissions from 2 submitters: Benign (1); Likely benign (1). Last evaluated 2025-11-05.

Conditions:
Juvenile polyposis syndrome (JPS). Identifiers: Orphanet 2929, MedGen C0345893, MONDO:0017380, OMIM 174900.

Submissions (2):

Labcorp Genetics (formerly Invitae), Labcorp
Classification: Likely benign for Juvenile polyposis syndrome. Last evaluated: 2025-11-05. Review status: criteria provided, single submitter. Criteria: Invitae Variant Classification Sherloc (09022015). Collection method: clinical testing. Allele origin: germline.

Myriad Genetics, Inc.
Classification: Benign for Juvenile polyposis syndrome. Last evaluated: 2024-08-01. Review status: criteria provided, single submitter. Criteria: Myriad Autosomal Dominant, Autosomal Recessive and X-Linked Classification Criteria (2023). Collection method: clinical testing. Allele origin: unknown.
Comment: This variant is considered benign. This variant is a silent/synonymous amino acid change and it is not expected to impact splicing.

NM_004329.3(BMPR1A):c.642A>G (p.Gln214=)

Gene: BMPR1A (bone morphogenetic protein receptor type 1A; plus strand). Cytogenetic location: 10q23.2.
Variant type: single nucleotide variant.
Coding change: c.642A>G on transcript NM_004329.3 (MANE Select); coding-DNA position 642, A replaced by G.
Protein change: p.Gln214=; no amino-acid change (glutamine 214 retained).
Molecular consequence: synonymous variant. On other transcripts: non-coding transcript variant (3), intron variant (1).
Genome position (GRCh38, 1-based): chr10:86,912,351, A>G. VCF-style: chr10-86912351-A-G. GRCh37 (hg19) VCF-style: chr10-88672108-A-G.
Other names: c.642A>G, p.Gln214= (NM_001406563.1, NM_001406564.1, NM_001406565.1 and 20 more transcripts); c.558A>G, p.Gln186= (NM_001406584.1, NM_001406585.1, NM_001406586.1 and 2 more transcripts); c.334-4783A>G (NM_001406589.1); c.717A>G, p.Gln239= (NM_001406559.1); c.690A>G, p.Gln230= (NM_001406560.1).
Identifiers: ClinVar variation 3379319 (VCV003379319.2).